The following is an entry in ClinVar:

NM_016532.4(INPP5K):c.1046A>C (p.Tyr349Ser)

Gene: INPP5K (inositol polyphosphate-5-phosphatase K; minus strand). Cytogenetic location: 17p13.3.
Variant type: single nucleotide variant.
Coding change: c.1046A>C on transcript NM_016532.4 (MANE Select); coding-DNA position 1046, A replaced by C.
Protein change: p.Tyr349Ser; replaces tyrosine 349 with serine.
Molecular consequence: missense variant.
Genome position (GRCh38, 1-based): chr17:1,496,721, T>G on the plus strand (A>C on the coding strand, the complement: INPP5K is on the minus strand). VCF-style: chr17-1496721-T-G. GRCh37 (hg19) VCF-style: chr17-1400015-T-G.
Other names: c.818A>C, p.Tyr273Ser (NM_001135642.2, NM_130766.3); short protein forms Y273S, Y349S.
Identifiers: ClinVar variation 4852853 (VCV004852853.1).

ClinVar aggregate classification (germline): Uncertain significance (1 of 4 stars; one submission).

Conditions:
Muscular dystrophy, congenital, with cataracts and impaired intellectual development. Also called: Congenital muscular dystrophy with cataracts and intellectual disability. Identifiers: Orphanet 662184, MedGen C4479410, MONDO:0024607, OMIM 617404.

Submission:

Medical Molecular Genetics, National Research Centre
Classification: Uncertain significance for Muscular dystrophy, congenital, with cataracts and impaired intellectual development. Last evaluated: 2026-06-01. Review status: criteria provided, single submitter. Criteria: ACMG Guidelines, 2015. Collection method: research. Allele origin: inherited. Affected: yes.
Comment: The INPP5K c.1046A>C (p.Tyr349Ser) variant is absent or extremely rare in population databases, supporting PM2. The altered amino acid is located within a functionally important and evolutionarily conserved region of the INPP5K protein, supporting PM1. Multiple computational prediction algorithms suggest that this amino acid substitution may adversely affect protein function, supporting PP3. Nevertheless, the currently available evidence remains insufficient to determine pathogenicity with confidence; therefore, the variant is classified as a Variant of Uncertain Significance (VUS).